The following is an entry in ClinVar:

NM_000302.4(PLOD1):c.1730G>T (p.Gly577Val)

Gene: PLOD1 (procollagen-lysine,2-oxoglutarate 5-dioxygenase 1; plus strand). Cytogenetic location: 1p36.22.
Variant type: single nucleotide variant.
Coding change: c.1730G>T on transcript NM_000302.4 (MANE Select); coding-DNA position 1730, G replaced by T.
Protein change: p.Gly577Val; replaces glycine 577 with valine.
Molecular consequence: missense variant.
Genome position (GRCh38, 1-based): chr1:11,967,066, G>T. VCF-style: chr1-11967066-G-T. GRCh37 (hg19) VCF-style: chr1-12027123-G-T.
Other names: c.1871G>T, p.Gly624Val (NM_001316320.2); short protein forms G624V, G577V.
Identifiers: ClinVar variation 3890553 (VCV003890553.1).
Genomic context (GRCh38, chr1:11,967,066, plus strand): 5'-GGTTCCCCATCTTCACGGAGGTGGCCTGTGATGAGCTGGTGGAGGAGATGGAGCACTTTG[G>T]CCAGTGGTCTCTGGGCAACAACAAGGTGGGACCCTGATGCCTGGGCTGGGGCCGCAGGGA-3'
Protein context (NP_000293.2, residues 567-587): DELVEEMEHF[Gly577Val]QWSLGNNKDN

ClinVar aggregate classification (germline): Uncertain significance (1 of 4 stars; one submission).

Conditions:
Familial thoracic aortic aneurysm and aortic dissection (TAAD). Also called: Thoracic aortic aneurysms and dissections. Identifiers: Orphanet 91387, MedGen C4707243, MONDO:0019625.

gnomAD v4.1: 15 of 1,612,720 alleles (0.00093%); highest among the groups gnomAD compares: Non-Finnish European, 0.0013%; no homozygotes.

Submission:

Ambry Genetics
Classification: Uncertain significance for Familial thoracic aortic aneurysm and aortic dissection. Last evaluated: 2024-12-28. Review status: criteria provided, single submitter. Criteria: Ambry Variant Classification Scheme 2023. Collection method: clinical testing. Allele origin: germline.
Comment: The p.G577V variant (also known as c.1730G>T), located in coding exon 16 of the PLOD1 gene, results from a G to T substitution at nucleotide position 1730. The glycine at codon 577 is replaced by valine, an amino acid with dissimilar properties. This amino acid position is conserved. In addition, this alteration is predicted to be deleterious by in silico analysis. Based on the available evidence, the clinical significance of this variant remains unclear.